The following is an entry in ClinVar:

NC_000001.11:g.(?_241497818)_(241512153_?)del

Gene: FH (fumarate hydratase; minus strand). Cytogenetic location: 1q43.
Variant type: Deletion.
Identifiers: ClinVar variation 833090 (VCV000833090.7).

ClinVar aggregate classification (germline): Pathogenic (1 of 4 stars; one submission).

Submission:

Labcorp Genetics (formerly Invitae), Labcorp
Classification: Pathogenic. Last evaluated: 2022-08-16. Review status: criteria provided, single submitter. Criteria: Invitae Variant Classification Sherloc (09022015). Collection method: clinical testing. Allele origin: germline.
Comment: For these reasons, this variant has been classified as Pathogenic. This variant disrupts a region of the FH protein in which other variant(s) (Deletion of exons 7-10) have been determined to be pathogenic (PMID: 28196407; Invitae). This suggests that this is a clinically significant region of the protein, and that variants that disrupt it are likely to be disease-causing. This variant has not been reported in the literature in individuals affected with FH-related conditions. This variant is a gross deletion of the genomic region encompassing exon(s) 4-10 of the FH gene, which includes the termination codon. This deletion extends beyond the assayed region for this gene and therefore may encompass additional genes. While this deletion is not anticipated to lead to nonsense mediated decay, it is expected to alter mRNA translation or result in a truncated protein product.

Literature cited by the submitters: PubMed 28196407.